The following is an entry in ClinVar:

NM_001042492.3(NF1):c.898C>T (p.Leu300=)

Gene: NF1 (neurofibromin 1; plus strand). Cytogenetic location: 17q11.2.
Variant type: single nucleotide variant.
Coding change: c.898C>T on transcript NM_001042492.3 (MANE Select); coding-DNA position 898, C replaced by T.
Protein change: p.Leu300=; no amino-acid change (leucine 300 retained).
Molecular consequence: synonymous variant.
Genome position (GRCh38, 1-based): chr17:31,200,431, C>T. VCF-style: chr17-31200431-C-T. GRCh37 (hg19) VCF-style: chr17-29527449-C-T.
Other names: c.898C>T, p.Leu300= (NM_000267.4, NM_001128147.3).
Identifiers: ClinVar variation 185099 (VCV000185099.17), dbSNP rs786201926, ClinGen allele CA191016.

ClinVar aggregate classification (germline): Conflicting classifications of pathogenicity. Review status: criteria provided, conflicting classifications (1 of 4 stars). 6 submissions from 6 submitters: Uncertain significance (1); Benign (1); Likely benign (3). 1 of the submissions does not count toward it. Last evaluated 2026-05-14.

Conditions:
NF1-related disorder. Also called: NF1-related condition. Identifiers: MedGen CN379171.
Hereditary cancer-predisposing syndrome. Also called: Tumor predisposition; Hereditary neoplastic syndrome; Neoplastic Syndromes, Hereditary; Hereditary Cancer Syndrome. Identifiers: Orphanet 140162, MedGen C0027672, MeSH D009386, MONDO:0015356.
Neurofibromatosis, type 1 (NF1). Also called: Neurofibromatosis, type I; NEUROFIBROMATOSIS, TYPE I, SOMATIC; VON RECKLINGHAUSEN DISEASE; Peripheral type neurofibromatosis. Identifiers: Orphanet 636, MedGen C0027831, MONDO:0018975, OMIM 162200. Disease mechanism: loss of function.

Allele frequency attached by ClinVar (database versions not stated): gnomAD 0.00004 and 0.00003; gnomAD exomes 0.00001 and below 0.00001; TOPMed 0.00003.
gnomAD v4.1: 7 of 1,613,880 alleles (0.00043%); highest among the groups gnomAD compares: African/African-American, 0.0093%; no homozygotes.

Submissions (6):

Myriad Genetics, Inc.
Classification: Benign for Neurofibromatosis, type 1. Last evaluated: 2026-05-14. Review status: criteria provided, single submitter. Criteria: Myriad Autosomal Dominant, Autosomal Recessive and X-Linked Classification Criteria (2023). Collection method: clinical testing. Allele origin: unknown.
Comment: This variant is considered benign. This variant is a silent/synonymous amino acid change and it is not expected to impact splicing.

Labcorp Genetics (formerly Invitae), Labcorp
Classification: Likely benign for Neurofibromatosis, type 1. Last evaluated: 2026-01-27. Review status: criteria provided, single submitter. Criteria: Invitae Variant Classification Sherloc (09022015). Collection method: clinical testing. Allele origin: germline.

Sema4
Classification: Uncertain significance for Hereditary cancer-predisposing syndrome. Last evaluated: 2021-08-28. Review status: criteria provided, single submitter. Criteria: Sema4 Curation Guidelines. Collection method: curation. Allele origin: germline.
Comment: The NF1 c.898C>T (p.L300=) variant has not been reported in the literature to our knowledge. It was observed in 3/24956 chromosomes of the African/African American subpopulation in the large and broad cohorts of the Genome Aggregation Database (PMID: 32461654). The variant has been reported in ClinVar (Variation ID 185099). In silico tools suggest that the nucleotide is conserved and the variant may not have an impact on splicing, though these predictions have not been confirmed by functional studies. The evidence is insufficient to meet ACMG/AMP criteria for classifying the variant as benign or pathogenic. Thus, the clinical significance of this variant is currently uncertain.

GeneDx
Classification: Likely benign. Last evaluated: 2020-09-08. Review status: criteria provided, single submitter. Criteria: GeneDx Variant Classification Process June 2021. Collection method: clinical testing. Allele origin: germline. Affected: yes.

Ambry Genetics
Classification: Likely benign for Hereditary cancer-predisposing syndrome. Last evaluated: 2016-11-22. Review status: criteria provided, single submitter. Criteria: Ambry Autosomal Dominant and X-Linked criteria (10/2015). Collection method: clinical testing. Allele origin: germline. Observed: 1 variant allele.

PreventionGenetics, part of Exact Sciences
Classification: Likely benign for NF1-related condition. Last evaluated: 2020-09-17. Review status: no assertion criteria provided. Collection method: clinical testing. Allele origin: germline. Not counted in ClinVar's aggregate classification.
Comment: This variant is classified as likely benign based on ACMG/AMP sequence variant interpretation guidelines (Richards et al. 2015 PMID: 25741868, with internal and published modifications).